The following is an entry in ClinVar:

ClinVar aggregate classification (germline): Uncertain significance (1 of 4 stars; one submission).

Conditions:
Intellectual developmental disorder, autosomal dominant 45. Also called: Intellectual disability, autosomal dominant 45; MENTAL RETARDATION, AUTOSOMAL DOMINANT 45. Identifiers: MedGen C4539848, MONDO:0030910, OMIM 617600.

Submission:

OLLIN Analises Genomicas, OLLIN
Classification: Uncertain significance for Intellectual developmental disorder, autosomal dominant 45. Last evaluated: 2026-08-06. Review status: criteria provided, single submitter. Criteria: ACMG Guidelines 2015 PMID 25741868. Collection method: clinical testing. Allele origin: germline. Inheritance: Autosomal dominant inheritance.
Comment: This missense variant, located in exon 16 (of 21), is absent from gnomAD and ClinVar and has not been identified in the literature. In silico analysis predicts that this variant has a tolerated effect. According to the currently available evidence, this variant has been classified as uncertain significance (PM2_P, BP4_M).

NM_001386298.1(CIC):c.6347C>G (p.Pro2116Arg)

Gene: CIC (capicua transcriptional repressor; plus strand). Cytogenetic location: 19q13.2.
Variant type: single nucleotide variant.
Coding change: c.6347C>G on transcript NM_001386298.1 (MANE Select); coding-DNA position 6347, C replaced by G.
Protein change: p.Pro2116Arg; replaces proline 2116 with arginine.
Molecular consequence: missense variant.
Genome position (GRCh38, 1-based): chr19:42,293,106, C>G. VCF-style: chr19-42293106-C-G. GRCh37 (hg19) VCF-style: chr19-42797258-C-G.
Other names: c.6347C>G, p.Pro2116Arg (NM_001304815.2, NM_001379482.1, NM_001439183.1 and 2 more transcripts); c.6344C>G, p.Pro2115Arg (NM_001379480.1, NM_001439184.1, NM_001439185.1 and 1 more transcripts); c.3620C>G, p.Pro1207Arg (NM_001379484.1, NM_001379485.1, NM_001439190.1 and 1 more transcripts); c.3617C>G, p.Pro1206Arg (NM_001439189.1, NM_001439191.1); short protein forms P1207R, P1206R, P2116R, P2115R.
Identifiers: ClinVar variation 5003170 (VCV005003170.1).